The following is an entry in ClinVar:

ClinVar aggregate classification (germline): Uncertain significance (1 of 4 stars; one submission).

Allele frequency attached by ClinVar (database versions not stated): gnomAD exomes below 0.00001.
gnomAD v4.1: 1 of 1,614,068 alleles (0.000062%); highest among the groups gnomAD compares: Non-Finnish European, 0.000085%; no homozygotes.

Submission:

Ambry Genetics
Classification: Uncertain significance. Last evaluated: 2023-10-08. Review status: criteria provided, single submitter. Criteria: Ambry Variant Classification Scheme 2023. Collection method: clinical testing. Allele origin: germline.
Comment: The p.S1789N variant (also known as c.5366G>A), located in coding exon 16 of the POLQ gene, results from a G to A substitution at nucleotide position 5366. The serine at codon 1789 is replaced by asparagine, an amino acid with highly similar properties. This amino acid position is conserved. In addition, this alteration is predicted to be tolerated by in silico analysis. Since supporting evidence is limited at this time, the clinical significance of this alteration remains unclear.

NM_199420.4(POLQ):c.5366G>A (p.Ser1789Asn)

Gene: POLQ (DNA polymerase theta; minus strand). Cytogenetic location: 3q13.33.
Variant type: single nucleotide variant.
Coding change: c.5366G>A on transcript NM_199420.4 (MANE Select); coding-DNA position 5366, G replaced by A.
Protein change: p.Ser1789Asn; replaces serine 1789 with asparagine.
Molecular consequence: missense variant.
Genome position (GRCh38, 1-based): chr3:121,487,565, C>T on the plus strand (G>A on the coding strand, the complement: POLQ is on the minus strand). VCF-style: chr3-121487565-C-T. GRCh37 (hg19) VCF-style: chr3-121206412-C-T.
Other names: short protein forms S1789N.
Identifiers: ClinVar variation 3230057 (VCV003230057.1), dbSNP rs2108797301, ClinGen allele CA354090398.
Genomic context (GRCh38, chr3:121,487,565, plus strand): 5'-GATAACTGAAGTGAAAAGCTTGTGTCACTAATAGGGCTGTTGTCTTTGAACCCATTTCTA[C>T]TCCCTGGACTTAAATCGTGGTTTTTAATATCTGAAGGTGAGCCAAATAAATAACTTTCAC-3'
Protein context (NP_955452.3, residues 1779-1799): DIKNHDLSPG[Ser1789Asn]RNGFKDNSPI